The following is an entry in ClinVar:

NM_014994.3(MAPKBP1):c.3372A>T (p.Pro1124=)

Gene: MAPKBP1 (mitogen-activated protein kinase binding protein 1; plus strand). Cytogenetic location: 15q15.1.
Variant type: single nucleotide variant.
Coding change: c.3372A>T on transcript NM_014994.3 (MANE Select); coding-DNA position 3372, A replaced by T.
Protein change: p.Pro1124=; no amino-acid change (proline 1124 retained).
Molecular consequence: synonymous variant. On other transcripts: non-coding transcript variant (2).
Genome position (GRCh38, 1-based): chr15:41,822,996, A>T. VCF-style: chr15-41822996-A-T. GRCh37 (hg19) VCF-style: chr15-42115194-A-T.
Other names: c.3390A>T, p.Pro1130= (NM_001128608.2); c.3372A>T, p.Pro1124= (NM_001265611.2).
Identifiers: ClinVar variation 3032346 (VCV003032346.2), dbSNP rs2551106871, ClinGen allele CA489991658.
Genomic context (GRCh38, chr15:41,822,996, plus strand): 5'-TAGGGAACCATCCCCATCCTCCTCAAGCCTGGCACTGATGTCGAGACCAGCCCAGGTGCC[A>T]CAGGCATCTGGTGAGCAGCCGAGAGGCAATGGTGCCAATCCCCCTGGAGCACCCCCGGAG-3'
Protein context (NP_055809.2, residues 1114-1134): LALMSRPAQV[Pro1124=]QASGEQPRGN

ClinVar aggregate classification (germline): Likely benign (0 of 4 stars; one submission).

Conditions:
MAPKBP1-related disorder. Also called: MAPKBP1-related condition.

Submission:

PreventionGenetics, part of Exact Sciences
Classification: Likely benign for MAPKBP1-related condition. Last evaluated: 2024-02-01. Review status: no assertion criteria provided. Collection method: clinical testing. Allele origin: germline.
Comment: This variant is classified as likely benign based on ACMG/AMP sequence variant interpretation guidelines (Richards et al. 2015 PMID: 25741868, with internal and published modifications).